The following is an entry in ClinVar:

ClinVar aggregate classification (germline): Likely benign. Review status: criteria provided, multiple submitters, no conflicts (2 of 4 stars). 2 submissions from 2 submitters: Likely benign (2). Last evaluated 2025-09-03.

Conditions:
Dilated cardiomyopathy 1G (CMD1G). Identifiers: Orphanet 154, MedGen C1858763, MONDO:0011400, OMIM 604145.
Autosomal recessive limb-girdle muscular dystrophy type 2J (LGMDR10). Also called: Limb-girdle muscular dystrophy, type 2J; MUSCULAR DYSTROPHY, LIMB-GIRDLE, AUTOSOMAL RECESSIVE 10. Identifiers: Orphanet 140922, MedGen C1837342, MONDO:0012127, OMIM 608807.

Allele frequency attached by ClinVar (database versions not stated): gnomAD below 0.00001 and 0.00001; ExAC 0.00001; gnomAD exomes 0.00001.
gnomAD v4.1: 18 of 1,600,090 alleles (0.0011%); highest among the groups gnomAD compares: South Asian, 0.013%; 1 homozygote.

Submissions (2):

Labcorp Genetics (formerly Invitae), Labcorp
Classification: Likely benign for Dilated cardiomyopathy 1G; Autosomal recessive limb-girdle muscular dystrophy type 2J. Last evaluated: 2025-09-03. Review status: criteria provided, single submitter. Criteria: Invitae Variant Classification Sherloc (09022015). Collection method: clinical testing. Allele origin: germline.

GeneDx
Classification: Likely benign. Last evaluated: 2017-03-02. Review status: criteria provided, single submitter. Criteria: GeneDx Variant Classification (06012015). Collection method: clinical testing. Allele origin: germline. Affected: yes.
Comment: This variant is considered likely benign or benign based on one or more of the following criteria: it is a conservative change, it occurs at a poorly conserved position in the protein, it is predicted to be benign by multiple in silico algorithms, and/or has population frequency not consistent with disease.

NM_001267550.2(TTN):c.1245+15G>A

Gene: TTN (titin; minus strand). Cytogenetic location: 2q31.2.
Variant type: single nucleotide variant.
Coding change: c.1245+15G>A on transcript NM_001267550.2 (MANE Select); 15 bases into the intron after coding-DNA position 1245, G replaced by A.
Molecular consequence: intron variant.
Genome position (GRCh38, 1-based): chr2:178,794,907, C>T on the plus strand (G>A on the coding strand, the complement: TTN is on the minus strand). VCF-style: chr2-178794907-C-T. GRCh37 (hg19) VCF-style: chr2-179659634-C-T.
Other names: c.1245+15G>A (NM_003319.4, NM_133437.4, NM_133432.3 and 3 more transcripts).
Identifiers: ClinVar variation 507755 (VCV000507755.3), dbSNP rs778180261, ClinGen allele CA2006113.